The following is an entry in ClinVar:

NM_004415.4(DSP):c.4965G>C (p.Arg1655Ser)

Gene: DSP (desmoplakin; plus strand). Cytogenetic location: 6p24.3.
Variant type: single nucleotide variant.
Coding change: c.4965G>C on transcript NM_004415.4 (MANE Select); coding-DNA position 4965, G replaced by C.
Protein change: p.Arg1655Ser; replaces arginine 1655 with serine.
Molecular consequence: missense variant. On other transcripts: intron variant (2).
Genome position (GRCh38, 1-based): chr6:7,581,155, G>C. VCF-style: chr6-7581155-G-C. GRCh37 (hg19) VCF-style: chr6-7581388-G-C.
Other names: c.4050+915G>C (NM_001319034.2); c.3582+1383G>C (NM_001008844.3); short protein forms R1655S.
Identifiers: ClinVar variation 4086314 (VCV004086314.1).

ClinVar aggregate classification (germline): Uncertain significance (1 of 4 stars; one submission).

Submission:

GeneDx
Classification: Uncertain significance. Last evaluated: 2025-03-20. Review status: criteria provided, single submitter. Criteria: GeneDx Variant Classification Process June 2021. Collection method: clinical testing. Allele origin: germline. Affected: yes.
Comment: Not observed at significant frequency in large population cohorts (gnomAD); In silico analysis indicates that this missense variant does not alter protein structure/function; Has not been previously published as pathogenic or benign to our knowledge